The following is an entry in ClinVar:

NM_021784.5(FOXA2):c.855A>G (p.Gly285=)

Gene: FOXA2 (forkhead box A2; minus strand). Cytogenetic location: 20p11.21.
Variant type: single nucleotide variant.
Coding change: c.855A>G on transcript NM_021784.5 (MANE Select); coding-DNA position 855, A replaced by G.
Protein change: p.Gly285=; no amino-acid change (glycine 285 retained).
Molecular consequence: synonymous variant.
Genome position (GRCh38, 1-based): chr20:22,582,387, T>C on the plus strand (A>G on the coding strand, the complement: FOXA2 is on the minus strand). VCF-style: chr20-22582387-T-C. GRCh37 (hg19) VCF-style: chr20-22563025-T-C.
Other names: c.837A>G, p.Gly279= (NM_153675.3); c.855A>G (NM_021784.4).
Identifiers: ClinVar variation 1601694 (VCV001601694.11), dbSNP rs1203910, ClinGen allele CA9786951.
Genomic context (GRCh38, chr20:22,582,387, plus strand): 5'-CGCCGGAGTCTCGGAGGCCGGCCCGGCGGCCTCCCCGAGTTGAGCCTGTGAGGCCTGGGC[T>C]CCGGCGGCCGCCTTCTTGCCGCTGCCGGCGGCGCCTGCGGCCTCCTTCAGCGCCAGCTGC-3'
Protein context (NP_068556.2, residues 275-295): AAGSGKKAAA[Gly285=]AQASQAQLGE

ClinVar aggregate classification (germline): Benign. Review status: criteria provided, multiple submitters, no conflicts (2 of 4 stars). 3 submissions from 3 submitters: Benign (2). 1 of the submissions does not count toward it. Last evaluated 2026-02-02.

Conditions:
FOXA2-related disorder. Also called: FOXA2-related condition.

Allele frequency attached by ClinVar (database versions not stated): ESP Exome Variant Server 0.12277; gnomAD 0.17133; 1000 Genomes Project 0.22224; gnomAD exomes 0.05640 and 0.08691; TOPMed 0.18262; 1000 Genomes Project 30x 0.22626; ExAC 0.17319.

Submissions (3):

Labcorp Genetics (formerly Invitae), Labcorp
Classification: Benign. Last evaluated: 2026-02-02. Review status: criteria provided, single submitter. Criteria: Invitae Variant Classification Sherloc (09022015). Collection method: clinical testing. Allele origin: germline.

Breakthrough Genomics
Classification: Benign. Review status: criteria provided, single submitter. Criteria: ACMG Guidelines, 2015. Collection method: not provided. Allele origin: germline. Inheritance: Unknown mechanism. Affected: yes.

PreventionGenetics, part of Exact Sciences
Classification: Benign for FOXA2-related condition. Last evaluated: 2019-09-17. Review status: no assertion criteria provided. Collection method: clinical testing. Allele origin: germline. Not counted in ClinVar's aggregate classification.
Comment: This variant is classified as benign based on ACMG/AMP sequence variant interpretation guidelines (Richards et al. 2015 PMID: 25741868, with internal and published modifications).